The following is an entry in ClinVar:

ClinVar aggregate classification (germline): Benign/Likely benign. Review status: criteria provided, multiple submitters, no conflicts (2 of 4 stars). 2 submissions from 2 submitters: Benign (1); Likely benign (1). Last evaluated 2024-03-22.

Conditions:
Hereditary cancer-predisposing syndrome. Also called: Neoplastic Syndromes, Hereditary; Tumor predisposition; Hereditary Cancer Syndrome; Hereditary neoplastic syndrome. Identifiers: Orphanet 140162, MedGen C0027672, MeSH D009386, MONDO:0015356.
Familial adenomatous polyposis 1 (FAP1). Also called: FAMILIAL ADENOMATOUS POLYPOSIS 1, ATTENUATED; POLYPOSIS, ADENOMATOUS INTESTINAL. Identifiers: MedGen C2713442, MONDO:0021056, OMIM 175100. Disease mechanism: loss of function.

Submissions (2):

Myriad Genetics, Inc.
Classification: Benign for Familial adenomatous polyposis 1. Last evaluated: 2024-03-22. Review status: criteria provided, single submitter. Criteria: Myriad Autosomal Dominant, Autosomal Recessive and X-Linked Classification Criteria (2023). Collection method: clinical testing. Allele origin: unknown.
Comment: This variant is considered benign. This variant is a silent/synonymous amino acid change and it is not expected to impact splicing.

Ambry Genetics
Classification: Likely benign for Hereditary cancer-predisposing syndrome. Last evaluated: 2021-01-17. Review status: criteria provided, single submitter. Criteria: Ambry Variant Classification Scheme 2023. Collection method: clinical testing. Allele origin: germline.

NM_000038.6(APC):c.3906G>T (p.Leu1302=)

Gene: APC (APC regulator of Wnt signaling pathway; plus strand). Cytogenetic location: 5q22.2.
Variant type: single nucleotide variant.
Coding change: c.3906G>T on transcript NM_000038.6 (MANE Select); coding-DNA position 3906, G replaced by T.
Protein change: p.Leu1302=; no amino-acid change (leucine 1302 retained).
Molecular consequence: synonymous variant. On other transcripts: non-coding transcript variant (2).
Genome position (GRCh38, 1-based): chr5:112,839,500, G>T. VCF-style: chr5-112839500-G-T. GRCh37 (hg19) VCF-style: chr5-112175197-G-T.
Other names: c.3906G>T, p.Leu1302= (NM_001127510.3, NM_001354895.2, NM_001407450.1); c.3852G>T, p.Leu1284= (NM_001127511.3); c.3960G>T, p.Leu1320= (NM_001354896.2, NM_001407447.1, NM_001407448.1 and 1 more transcripts); c.3936G>T, p.Leu1312= (NM_001354897.2); c.3831G>T, p.Leu1277= (NM_001354898.2); c.3822G>T, p.Leu1274= (NM_001354899.2); c.3783G>T, p.Leu1261= (NM_001354900.2); c.3729G>T, p.Leu1243= (NM_001354901.2, NM_001407453.1); and 11 more.
Identifiers: ClinVar variation 1736062 (VCV001736062.2), dbSNP rs756366532, ClinGen allele CA445963855.